The following is an entry in ClinVar:

NM_000407.5(GP1BB):c.1A>G (p.Met1Val)

Genes: GP1BB (glycoprotein Ib platelet subunit beta; plus strand), SEPT5-GP1BB (SEPT5-GP1BB readthrough; plus strand). Cytogenetic location: 22q11.21.
Variant type: single nucleotide variant.
Coding change: c.1A>G on transcript NM_000407.5 (MANE Select); coding-DNA position 1, A replaced by G.
Protein change: p.Met1Val; changes the start codon (methionine 1).
Molecular consequence: missense variant, initiator codon variant. On other transcripts: non-coding transcript variant (2).
Genome position (GRCh38, 1-based): chr22:19,723,570, A>G. VCF-style: chr22-19723570-A-G. GRCh37 (hg19) VCF-style: chr22-19711093-A-G.
Other names: short protein forms M1V.
Identifiers: ClinVar variation 1338488 (VCV001338488.6), dbSNP rs1389191920, ClinGen allele CA410676171.

ClinVar aggregate classification (germline): Pathogenic (1 of 4 stars; one submission).

Conditions:
Bernard Soulier syndrome (BSS). Also called: BLEEDING DISORDER, PLATELET-TYPE, 1; Giant platelet syndrome; Hemorrhagiparous thrombocytic dystrophy; Giant platelet disease; VON WILLEBRAND FACTOR RECEPTOR DEFICIENCY; Platelet Glycoprotein 1b, Deficiency of. Identifiers: Orphanet 274, MedGen C0005129, MeSH D001606, MONDO:0009276, OMIM 231200.

Submission:

Genetic Services Laboratory, University of Chicago
Classification: Pathogenic. Last evaluated: 2019-02-21. Review status: criteria provided, single submitter. Criteria: ACMG Guidelines, 2015. Collection method: clinical testing. Allele origin: germline. Affected: yes.
Comment: DNA sequence analysis of the GP1_B gene demonstrated a sequence change that disrupts the start codon of the gene, c.1A>G (p.1Met?). This sequence change is absent from the gnomAD database. This pathogenic sequence change results in loss of the translation start codon. This pathogenic sequence change is predicted to result in reduction or elimination of the GP1_B protein product. A different nucleotide change also leading to a start loss (c.3G>C, p.1Met?) has been reported in an individual with a personal and family history consistent with autosomal dominant macrothrombocytopenia (PMID: 28064200).